The following is an entry in ClinVar:

NM_001005242.3(PKP2):c.214G>T (p.Val72Leu)

Gene: PKP2 (plakophilin 2; minus strand). Cytogenetic location: 12p11.21.
Variant type: single nucleotide variant.
Coding change: c.214G>T on transcript NM_001005242.3 (MANE Select); coding-DNA position 214, G replaced by T.
Protein change: p.Val72Leu; replaces valine 72 with leucine.
Molecular consequence: missense variant.
Genome position (GRCh38, 1-based): chr12:32,896,518, C>A on the plus strand (G>T on the coding strand, the complement: PKP2 is on the minus strand). VCF-style: chr12-32896518-C-A. GRCh37 (hg19) VCF-style: chr12-33049452-C-A.
Other names: c.214G>T, p.Val72Leu (NM_004572.4); short protein forms V72L.
Identifiers: ClinVar variation 45061 (VCV000045061.18), dbSNP rs397517019, ClinGen allele CA011769.

ClinVar aggregate classification (germline): Conflicting classifications of pathogenicity. Review status: criteria provided, conflicting classifications (1 of 4 stars). 5 submissions from 5 submitters: Uncertain significance (3); Likely benign (2). Last evaluated 2025-08-14.

Conditions:
Cardiovascular phenotype. Identifiers: MedGen CN230736.
Cardiomyopathy (CMYO). Also called: Cardiomyopathies. Identifiers: Orphanet 167848, MedGen C0878544, MONDO:0004994, HP:0001638. Inheritance: Various modes of inheritance.
Arrhythmogenic right ventricular cardiomyopathy (ARVD). Also called: Arrhythmogenic right ventricular dysplasia; Arrhythmogenic cardiomyopathy; Arrhythmogenic Right Ventricular Cardiomyopathy (ARVC); Cardiomyopathy, ARVC. Identifiers: Orphanet 247, MedGen C0349788, MeSH D019571, MONDO:0016587. Disease mechanism: loss of function. Inheritance: Various modes of inheritance.
Arrhythmogenic right ventricular dysplasia 9 (ARVD9). Also called: ARRHYTHMOGENIC RIGHT VENTRICULAR DYSPLASIA, FAMILIAL, 9; Arrhythmogenic Right Ventricular Dysplasia/Cardiomyopathy 9. Identifiers: MedGen C1836906, MONDO:0012180, OMIM 609040.

Allele frequency attached by ClinVar (database versions not stated): gnomAD exomes below 0.00001; TOPMed 0.00001.
gnomAD v4.1: 6 of 1,532,776 alleles (0.00039%); highest among the groups gnomAD compares: Non-Finnish European, 0.00052%; no homozygotes.

Submissions (5):

Color Diagnostics, LLC DBA Color Health
Classification: Likely benign for Cardiomyopathy. Last evaluated: 2025-08-14. Review status: criteria provided, single submitter. Criteria: ACMG Guidelines, 2015. Collection method: clinical testing. Allele origin: germline.

Ambry Genetics
Classification: Likely benign for Cardiovascular phenotype. Last evaluated: 2025-06-09. Review status: criteria provided, single submitter. Criteria: Ambry Variant Classification Scheme 2023. Collection method: clinical testing. Allele origin: germline.

All of Us Research Program, National Institutes of Health
Classification: Uncertain significance for Arrhythmogenic right ventricular cardiomyopathy. Last evaluated: 2023-10-02. Review status: criteria provided, single submitter. Criteria: ACMG Guidelines, 2015. Collection method: clinical testing. Allele origin: germline. Inheritance: Autosomal dominant inheritance. Observed: 6 variant alleles, 6 heterozygotes.
Comment: This missense variant replaces valine with leucine at codon 72 of the PKP2 protein. Computational prediction suggests that this variant may not impact protein structure and function (internally defined REVEL score threshold <= 0.5, PMID: 27666373). Splice site prediction tools suggest that this variant may not impact RNA splicing. To our knowledge, functional studies have not been performed for this variant. This variant has been reported in an individual affected with dilated cardiomyopathy (PMID: 27532257). This variant has been identified in 1/177540 chromosomes in the general population by the Genome Aggregation Database (gnomAD). The available evidence is insufficient to determine the role of this variant in disease conclusively. Therefore, this variant is classified as a Variant of Uncertain Significance.

This study involves interpretation of variants in research participants for the purpose of population health screening. Participant phenotype was not available at the time of variant classification. Additional details can be found in publication PMID: 35346344, PMCID: PMC8962531

Labcorp Genetics (formerly Invitae), Labcorp
Classification: Uncertain significance for Arrhythmogenic right ventricular dysplasia 9. Last evaluated: 2022-08-18. Review status: criteria provided, single submitter. Criteria: Invitae Variant Classification Sherloc (09022015). Collection method: clinical testing. Allele origin: germline.
Comment: This sequence change replaces valine, which is neutral and non-polar, with leucine, which is neutral and non-polar, at codon 72 of the PKP2 protein (p.Val72Leu). The frequency data for this variant in the population databases is considered unreliable, as metrics indicate poor data quality at this position in the gnomAD database. This missense change has been observed in individual(s) with dilated cardiomyopathy (PMID: 27532257). ClinVar contains an entry for this variant (Variation ID: 45061). Algorithms developed to predict the effect of missense changes on protein structure and function (SIFT, PolyPhen-2, Align-GVGD) all suggest that this variant is likely to be tolerated. In summary, the available evidence is currently insufficient to determine the role of this variant in disease. Therefore, it has been classified as a Variant of Uncertain Significance.

Laboratory for Molecular Medicine, Mass General Brigham Personalized Medicine
Classification: Uncertain significance. Last evaluated: 2018-04-10. Review status: criteria provided, single submitter. Criteria: LMM Criteria. Collection method: clinical testing. Allele origin: germline. Observed: 1 variant allele.
Comment: proposed classification - variant undergoing re-assessment, contact laboratory

Literature cited by the submitters: PubMed 27532257 (cited by 3 submitters).